The following is an entry in ClinVar:

ClinVar aggregate classification (germline): Uncertain significance (1 of 4 stars; one submission).

Conditions:
Infantile spasms. Also called: Infantile spasm. Identifiers: MedGen C3887898, HP:0012469.

Allele frequency attached by ClinVar (database versions not stated): gnomAD exomes below 0.00001 and 0.00002; TOPMed below 0.00001; ExAC 0.00002.
gnomAD v4.1: 27 of 1,613,972 alleles (0.0017%); highest among the groups gnomAD compares: Non-Finnish European, 0.0022%; no homozygotes.

Submission:

Labcorp Genetics (formerly Invitae), Labcorp
Classification: Uncertain significance for Infantile spasms. Last evaluated: 2020-10-09. Review status: criteria provided, single submitter. Criteria: Invitae Variant Classification Sherloc (09022015). Collection method: clinical testing. Allele origin: germline.
Comment: In summary, the available evidence is currently insufficient to determine the role of this variant in disease. Therefore, it has been classified as a Variant of Uncertain Significance. Algorithms developed to predict the effect of missense changes on protein structure and function (SIFT, PolyPhen-2, Align-GVGD) all suggest that this variant is likely to be tolerated, but these predictions have not been confirmed by published functional studies and their clinical significance is uncertain. This variant has not been reported in the literature in individuals with PIK3AP1-related conditions. This variant is present in population databases (rs773554213, ExAC 0.01%). This sequence change replaces proline with threonine at codon 49 of the PIK3AP1 protein (p.Pro49Thr). The proline residue is moderately conserved and there is a small physicochemical difference between proline and threonine.

NM_152309.3(PIK3AP1):c.145C>A (p.Pro49Thr)

Gene: PIK3AP1 (phosphoinositide-3-kinase adaptor protein 1; minus strand). Cytogenetic location: 10q24.1.
Variant type: single nucleotide variant.
Coding change: c.145C>A on transcript NM_152309.3 (MANE Select); coding-DNA position 145, C replaced by A.
Protein change: p.Pro49Thr; replaces proline 49 with threonine.
Molecular consequence: missense variant.
Genome position (GRCh38, 1-based): chr10:96,709,852, G>T on the plus strand (C>A on the coding strand, the complement: PIK3AP1 is on the minus strand). VCF-style: chr10-96709852-G-T. GRCh37 (hg19) VCF-style: chr10-98469609-G-T.
Other names: short protein forms P49T.
Identifiers: ClinVar variation 1022268 (VCV001022268.8), dbSNP rs773554213, ClinGen allele CA5626604.
Genomic context (GRCh38, chr10:96,709,852, plus strand): 5'-CCACGACACAGCGGGTGCTGAGGAAAAGGCTTAGGTCCTCTGCCGAGAAGGAGGCCTCGG[G>T]GCCCAGCCTGTGAGTCAGTATCTTCTGGCTGCGGACCTGCCGACTGGACAGGAACAGGGT-3'
Protein context (NP_689522.2, residues 39-59): SQKILTHRLG[Pro49Thr]EASFSAEDLS